The following is an entry in ClinVar:

NM_000179.3(MSH6):c.2366A>T (p.Asn789Ile)

Gene: MSH6 (mutS homolog 6; plus strand). Cytogenetic location: 2p16.3.
Variant type: single nucleotide variant.
Coding change: c.2366A>T on transcript NM_000179.3 (MANE Select); coding-DNA position 2366, A replaced by T.
Protein change: p.Asn789Ile; replaces asparagine 789 with isoleucine.
Molecular consequence: missense variant. On other transcripts: non-coding transcript variant (5), intron variant (3).
Genome position (GRCh38, 1-based): chr2:47,800,349, A>T. VCF-style: chr2-47800349-A-T. GRCh37 (hg19) VCF-style: chr2-48027488-A-T.
Other names: c.1976A>T, p.Asn659Ile (NM_001281492.2); c.1460A>T, p.Asn487Ile (NM_001281493.2, NM_001281494.2, NM_001406811.1 and 6 more transcripts); c.2462A>T, p.Asn821Ile (NM_001406795.1, NM_001406802.1); c.2366A>T, p.Asn789Ile (NM_001406796.1, NM_001406798.1, NM_001406800.1 and 2 more transcripts); c.2069A>T, p.Asn690Ile (NM_001406797.1, NM_001406801.1, NM_001406805.1 and 10 more transcripts); c.1841A>T, p.Asn614Ile (NM_001406799.1, NM_001406806.1, NM_001406807.1); c.2288A>T, p.Asn763Ile (NM_001406804.1); c.2372A>T, p.Asn791Ile (NM_001406813.1); and 4 more; short protein forms N487I, N614I, N659I, N690I, N733I, N763I, N789I, N791I.
Identifiers: ClinVar variation 3239796 (VCV003239796.2), dbSNP rs2104403001.

ClinVar aggregate classification (germline): Uncertain significance. Review status: criteria provided, multiple submitters, no conflicts (2 of 4 stars). 2 submissions from 2 submitters: Uncertain significance (2). Last evaluated 2025-02-20.

Conditions:
Hereditary cancer-predisposing syndrome. Also called: Neoplastic Syndromes, Hereditary; Tumor predisposition; Hereditary neoplastic syndrome; Hereditary Cancer Syndrome. Identifiers: Orphanet 140162, MedGen C0027672, MeSH D009386, MONDO:0015356.
Endometrial carcinoma. Also called: Endometrial carcinoma, somatic. Identifiers: MedGen C0476089, MONDO:0002447, OMIM 608089, HP:0012114.

Submissions (2):

Ambry Genetics
Classification: Uncertain significance for Hereditary cancer-predisposing syndrome. Last evaluated: 2025-02-20. Review status: criteria provided, single submitter. Criteria: Ambry Variant Classification Scheme 2023. Collection method: clinical testing. Allele origin: germline.
Comment: The p.N789I variant (also known as c.2366A>T), located in coding exon 4 of the MSH6 gene, results from an A to T substitution at nucleotide position 2366. The asparagine at codon 789 is replaced by isoleucine, an amino acid with dissimilar properties. This amino acid position is conserved. In addition, the in silico prediction for this alteration is inconclusive. Based on the available evidence, the clinical significance of this variant remains unclear.

Baylor Genetics
Classification: Uncertain significance for Endometrial carcinoma. Last evaluated: 2023-12-01. Review status: criteria provided, single submitter. Criteria: ACMG Guidelines, 2015. Collection method: clinical testing. Allele origin: unknown.